The following is an entry in ClinVar:

ClinVar aggregate classification (germline): Conflicting classifications of pathogenicity. Review status: criteria provided, conflicting classifications (1 of 4 stars). 11 submissions from 10 submitters: Uncertain significance (2); Benign (2); Likely benign (5). 2 of the submissions do not count toward it. Last evaluated 2026-01-19.

Conditions:
Autosomal recessive ataxia, Beauce type. Also called: SYNE1-Related Autosomal Recessive Cerebellar Ataxia; ATAXIA, RECESSIVE, OF BEAUCE; SYNE1 Deficiency; Spinocerebellar ataxia, autosomal recessive 8. Identifiers: Orphanet 88644, MedGen C1853116, MONDO:0012549, OMIM 610743.
Emery-Dreifuss muscular dystrophy 4, autosomal dominant (EDMD4). Also called: EMERY-DREIFUSS MUSCULAR DYSTROPHY 4 WITH VARIABLE FEATURES. Identifiers: Orphanet 261, MedGen C2751807, MONDO:0013071, OMIM 612998.

Allele frequency attached by ClinVar (database versions not stated): 1000 Genomes Project 0.00020; 1000 Genomes Project 30x 0.00031; ExAC 0.00070; gnomAD exomes 0.00076 and 0.00141; gnomAD 0.00087 and 0.00091; TOPMed 0.00098; ESP Exome Variant Server 0.00115.
gnomAD v4.1: 2,158 of 1,612,720 alleles (0.13%); highest among the groups gnomAD compares: Non-Finnish European, 0.17%; 2 homozygotes.

Submissions (11):

Labcorp Genetics (formerly Invitae), Labcorp
Classification: Likely benign for Emery-Dreifuss muscular dystrophy 4, autosomal dominant; Autosomal recessive ataxia, Beauce type. Last evaluated: 2026-01-19. Review status: criteria provided, single submitter. Criteria: Invitae Variant Classification Sherloc (09022015). Collection method: clinical testing. Allele origin: germline.

Mayo Clinic Laboratories, Mayo Clinic
Classification: Likely benign. Last evaluated: 2025-08-04. Review status: criteria provided, single submitter. Criteria: ACMG Guidelines, 2015. Collection method: clinical testing. Allele origin: germline. Observed: 4 variant alleles.
Comment: BS1, BP4, BP7

Blueprint Genetics
Classification: Likely benign. Last evaluated: 2024-11-12. Review status: criteria provided, single submitter. Criteria: ACMG Guidelines, 2015. Collection method: clinical testing. Allele origin: germline.

Athena Diagnostics
Classification: Benign. Last evaluated: 2024-08-22. Review status: criteria provided, single submitter. Criteria: Athena Diagnostics Criteria. Collection method: clinical testing. Allele origin: unknown.

CeGaT Center for Human Genetics Tuebingen
Classification: Likely benign. Last evaluated: 2024-03-01. Review status: criteria provided, single submitter. Criteria: CeGaT Center For Human Genetics Tuebingen Variant Classification Criteria Version 2. Collection method: clinical testing. Allele origin: germline. Affected: yes. Observed: 4 variant alleles.
Comment: SYNE1: BP4

GeneDx
Classification: Likely benign. Last evaluated: 2021-03-01. Review status: criteria provided, single submitter. Criteria: GeneDx Variant Classification Process June 2021. Collection method: clinical testing. Allele origin: germline. Affected: yes.

Eurofins Ntd Llc (ga)
Classification: Uncertain significance. Last evaluated: 2018-09-14. Review status: criteria provided, single submitter. Criteria: EGL ClinVar v180209 classification definitions. Collection method: clinical testing. Allele origin: germline. Observed: 18 variant alleles, 17 heterozygotes, 1 homozygote.

Illumina Laboratory Services, Illumina
Classification: Uncertain significance for Autosomal recessive ataxia, Beauce type. Last evaluated: 2018-01-13. Review status: criteria provided, single submitter. Criteria: ICSL Variant Classification Criteria 13 December 2019. Collection method: clinical testing. Allele origin: germline.

Illumina Laboratory Services, Illumina
Classification: Benign for Emery-Dreifuss muscular dystrophy 4, autosomal dominant. Last evaluated: 2018-01-13. Review status: criteria provided, single submitter. Criteria: ICSL Variant Classification Criteria 13 December 2019. Collection method: clinical testing. Allele origin: germline.
Comment: This variant was observed in the ICSL laboratory as part of a predisposition screen in an ostensibly healthy population. It had not been previously curated by ICSL or reported in the Human Gene Mutation Database (HGMD: prior to June 1st, 2018), and was therefore a candidate for classification through an automated scoring system. Utilizing variant allele frequency, disease prevalence and penetrance estimates, and inheritance mode, an automated score was calculated to assess if this variant is too frequent to cause the disease. Based on the score and internal cut-off values, a variant classified as benign is not then subjected to further curation. The score for this variant resulted in a classification of benign for this disease.

Clinical Genetics DNA and cytogenetics Diagnostics Lab, Erasmus MC, Erasmus Medical Center
Classification: Likely benign. Review status: no assertion criteria provided. Collection method: clinical testing. Allele origin: germline. Affected: yes. Study: VKGL Data-share Consensus. Not counted in ClinVar's aggregate classification.

Genome Diagnostics Laboratory, University Medical Center Utrecht
Classification: Likely benign. Review status: no assertion criteria provided. Collection method: clinical testing. Allele origin: germline. Affected: yes. Study: VKGL Data-share Consensus. Not counted in ClinVar's aggregate classification.

NM_182961.4(SYNE1):c.6826-6A>G

Gene: SYNE1 (spectrin repeat containing nuclear envelope protein 1; minus strand). Cytogenetic location: 6q25.2.
Variant type: single nucleotide variant.
Coding change: c.6826-6A>G on transcript NM_182961.4 (MANE Select); 6 bases into the intron before coding-DNA position 6826, A replaced by G.
Molecular consequence: intron variant.
Genome position (GRCh38, 1-based): chr6:152,401,347, T>C on the plus strand (A>G on the coding strand, the complement: SYNE1 is on the minus strand). VCF-style: chr6-152401347-T-C. GRCh37 (hg19) VCF-style: chr6-152722482-T-C.
Other names: p.?; c.6847-6A>G (NM_033071.5).
Identifiers: ClinVar variation 197576 (VCV000197576.65), dbSNP rs183683592, ClinGen allele CA245825.